The following is an entry in ClinVar:

ClinVar aggregate classification (germline): Likely benign (1 of 4 stars; one submission).

Allele frequency attached by ClinVar (database versions not stated): gnomAD 0.00001; gnomAD exomes below 0.00001; TOPMed 0.00001.
gnomAD v4.1: 5 of 1,535,842 alleles (0.00033%); highest among the groups gnomAD compares: Non-Finnish European, 0.00044%; no homozygotes.

Submission:

CeGaT Center for Human Genetics Tuebingen
Classification: Likely benign. Last evaluated: 2025-04-01. Review status: criteria provided, single submitter. Criteria: CeGaT Center For Human Genetics Tuebingen Variant Classification Criteria Version 2. Collection method: clinical testing. Allele origin: germline. Affected: yes. Observed: 2 variant alleles.
Comment: GTPBP3: BP4, BP7

NM_001195422.1(GTPBP3):c.36T>C (p.Phe12=)

Gene: GTPBP3 (GTP binding protein 3, mitochondrial; plus strand). Cytogenetic location: 19p13.11.
Variant type: single nucleotide variant.
Coding change: c.36T>C on transcript NM_001195422.1; coding-DNA position 36, T replaced by C.
Protein change: p.Phe12=; no amino-acid change (phenylalanine 12 retained).
Molecular consequence: synonymous variant.
Genome position (GRCh38, 1-based): chr19:17,335,039, T>C. VCF-style: chr19-17335039-T-C. GRCh37 (hg19) VCF-style: chr19-17445848-T-C.
Identifiers: ClinVar variation 2649538 (VCV002649538.22), dbSNP rs996605909, ClinGen allele CA306059431.